The following is an entry in ClinVar:

ClinVar aggregate classification (germline): Likely benign. Review status: criteria provided, multiple submitters, no conflicts (2 of 4 stars). 3 submissions from 3 submitters: Likely benign (3). Last evaluated 2026-08-01.

Allele frequency attached by ClinVar (database versions not stated): gnomAD exomes 0.00001; TOPMed 0.00002; ExAC 0.00006.
gnomAD v4.1: 11 of 1,208,517 alleles (0.00091%); highest among the groups gnomAD compares: Admixed American, 0.022%; no homozygotes.

Submissions (3):

CeGaT Center for Human Genetics Tuebingen
Classification: Likely benign. Last evaluated: 2026-08-01. Review status: criteria provided, single submitter. Criteria: CeGaT Center For Human Genetics Tuebingen Variant Classification Criteria Version 2. Collection method: clinical testing. Allele origin: germline. Affected: yes. Observed: 1 variant allele.
Comment: USP9X: BP4, BP7

Labcorp Genetics (formerly Invitae), Labcorp
Classification: Likely benign. Last evaluated: 2025-11-04. Review status: criteria provided, single submitter. Criteria: Invitae Variant Classification Sherloc (09022015). Collection method: clinical testing. Allele origin: germline.

GeneDx
Classification: Likely benign. Last evaluated: 2021-05-12. Review status: criteria provided, single submitter. Criteria: GeneDx Variant Classification Process June 2021. Collection method: clinical testing. Allele origin: germline. Affected: yes.

NM_001039591.3(USP9X):c.6195C>A (p.Gly2065=)

Gene: USP9X (ubiquitin specific peptidase 9 X-linked; plus strand). Cytogenetic location: Xp11.4.
Variant type: single nucleotide variant.
Coding change: c.6195C>A on transcript NM_001039591.3 (MANE Select); coding-DNA position 6195, C replaced by A.
Protein change: p.Gly2065=; no amino-acid change (glycine 2065 retained).
Molecular consequence: synonymous variant.
Genome position (GRCh38, 1-based): chrX:41,217,329, C>A. VCF-style: chrX-41217329-C-A. GRCh37 (hg19) VCF-style: chrX-41076582-C-A.
Other names: c.6195C>A, p.Gly2065= (NM_001039590.3).
Identifiers: ClinVar variation 1321534 (VCV001321534.7), dbSNP rs771371578, ClinGen allele CA10389071.